The following is an entry in ClinVar:

ClinVar aggregate classification (germline): Uncertain significance (1 of 4 stars; one submission).

Submission:

GeneDx
Classification: Uncertain significance. Last evaluated: 2018-01-11. Review status: criteria provided, single submitter. Criteria: GeneDx Variant Classification (06012015). Collection method: clinical testing. Allele origin: germline. Affected: yes.
Comment: The c.2135_2143delCGTGCAGCA variant in the MYT1L gene has not been reported previously as a pathogenic variant nor as a benign variant, to our knowledge. This variant causes an in-frame deletion of 3 amnio acids, denoted p.Thr712_Ser714del. The c.2135_2143delCGTGCAGCA variant is not observed in large population cohorts (Lek et al., 2016). In-silico analyses, including protein predictors and evolutionary conservation, support a deleterious effect. We interpret c.2135_2143delCGTGCAGCA as a variant of uncertain significance.

NM_001303052.2(MYT1L):c.2141_2149del (p.Thr714_Ser716del)

Gene: MYT1L (myelin transcription factor 1 like; minus strand). Cytogenetic location: 2p25.3.
Variant type: Deletion.
Coding change: c.2141_2149del on transcript NM_001303052.2 (MANE Select); coding-DNA positions 2141 to 2149, 9 bases deleted (CGTGCAGCA; older notation c.2141_2149delCGTGCAGCA).
Protein change: p.Thr714_Ser716del.
Molecular consequence: inframe deletion.
Genome position (GRCh38, 1-based): chr2:1,892,171-1,892,179, TGCTGCACG deleted on the plus strand (CGTGCAGCA on the coding strand, the reverse complement: MYT1L is on the minus strand); deleting any 9 consecutive bases within chr2:1,892,171-1,892,185 gives the same sequence; the c. name uses the placement nearest the transcript's 3' end. VCF-style (leftmost placement, unchanged base first): chr2-1892170-TTGCTGCACG-T. GRCh37 (hg19) VCF-style: chr2-1895942-TTGCTGCACG-T.
Other names: c.2141_2149del, p.Thr714_Ser716del (NM_001329844.2, NM_001329845.1, NM_001329851.3); c.2135_2143del, p.Thr712_Ser714del (NM_001329846.3, NM_001329847.2, NM_001329848.1 and 3 more transcripts).
Identifiers: ClinVar variation 504114 (VCV000504114.2), dbSNP rs1553300314, ClinGen allele CA658795670.